The following is an entry in ClinVar:

ClinVar aggregate classification (germline): Uncertain significance. Review status: criteria provided, multiple submitters, no conflicts (2 of 4 stars). 2 submissions from 2 submitters: Uncertain significance (2). Last evaluated 2023-05-12.

Allele frequency attached by ClinVar (database versions not stated): gnomAD 0.00001; gnomAD exomes 0.00001 and 0.00005; TOPMed 0.00001; ExAC 0.00003; 1000 Genomes Project 30x 0.00016; 1000 Genomes Project 0.00020.
gnomAD v4.1: 22 of 1,613,836 alleles (0.0014%); highest among the groups gnomAD compares: East Asian, 0.042%; no homozygotes.

Submissions (2):

Blueprint Genetics
Classification: Uncertain significance. Last evaluated: 2023-05-12. Review status: criteria provided, single submitter. Criteria: ACMG Guidelines, 2015. Collection method: clinical testing. Allele origin: germline.

Labcorp Genetics (formerly Invitae), Labcorp
Classification: Uncertain significance. Last evaluated: 2021-07-11. Review status: criteria provided, single submitter. Criteria: Invitae Variant Classification Sherloc (09022015). Collection method: clinical testing. Allele origin: germline.
Comment: This variant is present in population databases (rs548084343, ExAC 0.04%). In summary, the available evidence is currently insufficient to determine the role of this variant in disease. Therefore, it has been classified as a Variant of Uncertain Significance. Algorithms developed to predict the effect of missense changes on protein structure and function are either unavailable or do not agree on the potential impact of this missense change (SIFT: "Deleterious"; PolyPhen-2: "Benign"; Align-GVGD: "Class C0"). This variant has not been reported in the literature in individuals affected with MTHFD1-related conditions. This sequence change replaces glutamine with arginine at codon 23 of the MTHFD1 protein (p.Gln23Arg). The glutamine residue is moderately conserved and there is a small physicochemical difference between glutamine and arginine.

NM_005956.4(MTHFD1):c.68A>G (p.Gln23Arg)

Gene: MTHFD1 (methylenetetrahydrofolate dehydrogenase, cyclohydrolase and formyltetrahydrofolate synthetase 1; plus strand). Cytogenetic location: 14q23.3.
Variant type: single nucleotide variant.
Coding change: c.68A>G on transcript NM_005956.4 (MANE Select); coding-DNA position 68, A replaced by G.
Protein change: p.Gln23Arg; replaces glutamine 23 with arginine.
Molecular consequence: missense variant.
Genome position (GRCh38, 1-based): chr14:64,400,819, A>G. VCF-style: chr14-64400819-A-G. GRCh37 (hg19) VCF-style: chr14-64867537-A-G.
Other names: c.68A>G, p.Gln23Arg (NM_001364837.1); short protein forms Q23R.
Identifiers: ClinVar variation 1351536 (VCV001351536.9), dbSNP rs548084343, ClinGen allele CA7225825.